The following is an entry in ClinVar:

ClinVar aggregate classification (germline): Likely benign. Review status: criteria provided, multiple submitters, no conflicts (2 of 4 stars). 2 submissions from 2 submitters: Likely benign (2). Last evaluated 2026-02-01.

gnomAD v4.1: 47 of 1,540,060 alleles (0.0031%); highest among the groups gnomAD compares: South Asian, 0.051%; no homozygotes.

Submissions (2):

CeGaT Center for Human Genetics Tuebingen
Classification: Likely benign. Last evaluated: 2026-02-01. Review status: criteria provided, single submitter. Criteria: CeGaT Center For Human Genetics Tuebingen Variant Classification Criteria Version 2. Collection method: clinical testing. Allele origin: germline. Affected: yes. Observed: 1 variant allele.
Comment: COA8: BP4, BP7

Blueprint Genetics
Classification: Likely benign. Last evaluated: 2023-06-28. Review status: criteria provided, single submitter. Criteria: ACMG Guidelines, 2015. Collection method: clinical testing. Allele origin: germline.

NM_001370595.2(COA8):c.99G>A (p.Glu33=)

Gene: COA8 (cytochrome c oxidase assembly factor 8; plus strand). Cytogenetic location: 14q32.33.
Variant type: single nucleotide variant.
Coding change: c.99G>A on transcript NM_001370595.2 (MANE Select); coding-DNA position 99, G replaced by A.
Protein change: p.Glu33=; no amino-acid change (glutamic acid 33 retained).
Molecular consequence: synonymous variant. On other transcripts: non-coding transcript variant (2).
Genome position (GRCh38, 1-based): chr14:103,563,100, G>A. VCF-style: chr14-103563100-G-A. GRCh37 (hg19) VCF-style: chr14-104029437-G-A.
Other names: c.99G>A, p.Glu33= (NM_001302653.2, NM_001302654.2).
Identifiers: ClinVar variation 4822107 (VCV004822107.5).